The following is an entry in ClinVar:

NM_005996.4(TBX3):c.155C>T (p.Ala52Val)

Genes: TBX3 (T-box transcription factor 3; minus strand), TBX3-AS1 (TBX3 antisense RNA 1; plus strand). Cytogenetic location: 12q24.21.
Variant type: single nucleotide variant.
Coding change: c.155C>T on transcript NM_005996.4 (MANE Select); coding-DNA position 155, C replaced by T.
Protein change: p.Ala52Val; replaces alanine 52 with valine.
Molecular consequence: missense variant.
Genome position (GRCh38, 1-based): chr12:114,683,046, G>A on the plus strand (C>T on the coding strand, the complement: TBX3 is on the minus strand). VCF-style: chr12-114683046-G-A. GRCh37 (hg19) VCF-style: chr12-115120851-G-A.
Other names: c.155C>T, p.Ala52Val (NM_016569.4); short protein forms A52V.
Identifiers: ClinVar variation 3719469 (VCV003719469.2).

ClinVar aggregate classification (germline): Uncertain significance (1 of 4 stars; one submission).

Conditions:
Ulnar-mammary syndrome (UMS). Also called: PALLISTER ULNAR-MAMMARY SYNDROME; SCHINZEL SYNDROME; Ulnar-mammary syndrome of Pallister. Identifiers: Orphanet 3138, MedGen C1866994, MONDO:0008411, OMIM 181450.

Submission:

Labcorp Genetics (formerly Invitae), Labcorp
Classification: Uncertain significance for Ulnar-mammary syndrome. Last evaluated: 2024-07-04. Review status: criteria provided, single submitter. Criteria: Invitae Variant Classification Sherloc (09022015). Collection method: clinical testing. Allele origin: germline.
Comment: This sequence change replaces alanine, which is neutral and non-polar, with valine, which is neutral and non-polar, at codon 52 of the TBX3 protein (p.Ala52Val). This variant is present in population databases (no rsID available, gnomAD 0.003%). This variant has not been reported in the literature in individuals affected with TBX3-related conditions. An algorithm developed to predict the effect of missense changes on protein structure and function (PolyPhen-2) suggests that this variant is likely to be tolerated. In summary, the available evidence is currently insufficient to determine the role of this variant in disease. Therefore, it has been classified as a Variant of Uncertain Significance.